The following is an entry in ClinVar:

NM_172364.5(CACNA2D4):c.3310-5C>A

Gene: CACNA2D4 (calcium voltage-gated channel auxiliary subunit alpha2delta 4; minus strand). Cytogenetic location: 12p13.33.
Variant type: single nucleotide variant.
Coding change: c.3310-5C>A on transcript NM_172364.5 (MANE Select); 5 bases into the intron before coding-DNA position 3310, C replaced by A.
Molecular consequence: intron variant.
Genome position (GRCh38, 1-based): chr12:1,793,764, G>T on the plus strand (C>A on the coding strand, the complement: CACNA2D4 is on the minus strand). VCF-style: chr12-1793764-G-T. GRCh37 (hg19) VCF-style: chr12-1902930-G-T.
Identifiers: ClinVar variation 1462502 (VCV001462502.9), dbSNP rs373399976, ClinGen allele CA6385954.

ClinVar aggregate classification (germline): Uncertain significance. Review status: criteria provided, multiple submitters, no conflicts (2 of 4 stars). 2 submissions from 2 submitters: Uncertain significance (2). Last evaluated 2024-11-11.

Allele frequency attached by ClinVar (database versions not stated): TOPMed 0.00003; ExAC 0.00004; gnomAD 0.00004 and 0.00005; ESP Exome Variant Server 0.00008; 1000 Genomes Project 0.00020; 1000 Genomes Project 30x 0.00031.
gnomAD v4.1: 63 of 1,611,748 alleles (0.0039%); highest among the groups gnomAD compares: Non-Finnish European, 0.0047%; no homozygotes.

Submissions (2):

Labcorp Genetics (formerly Invitae), Labcorp
Classification: Uncertain significance. Last evaluated: 2024-11-11. Review status: criteria provided, single submitter. Criteria: Invitae Variant Classification Sherloc (09022015). Collection method: clinical testing. Allele origin: germline.
Comment: This sequence change falls in intron 37 of the CACNA2D4 gene. It does not directly change the encoded amino acid sequence of the CACNA2D4 protein. This variant is present in population databases (rs373399976, gnomAD 0.006%). This variant has not been reported in the literature in individuals affected with CACNA2D4-related conditions. ClinVar contains an entry for this variant (Variation ID: 1462502). Algorithms developed to predict the effect of sequence changes on RNA splicing suggest that this variant may disrupt the consensus splice site. In summary, the available evidence is currently insufficient to determine the role of this variant in disease. Therefore, it has been classified as a Variant of Uncertain Significance.

Blueprint Genetics
Classification: Uncertain significance. Last evaluated: 2022-03-25. Review status: criteria provided, single submitter. Criteria: ACMG Guidelines, 2015. Collection method: clinical testing. Allele origin: germline.